The following is an entry in ClinVar:

NM_025137.4(SPG11):c.6098A>G (p.Lys2033Arg)

Gene: SPG11 (SPG11 vesicle trafficking associated, spatacsin; minus strand). Cytogenetic location: 15q21.1.
Variant type: single nucleotide variant.
Coding change: c.6098A>G on transcript NM_025137.4 (MANE Select); coding-DNA position 6098, A replaced by G.
Protein change: p.Lys2033Arg; replaces lysine 2033 with arginine.
Molecular consequence: missense variant. On other transcripts: intron variant (1).
Genome position (GRCh38, 1-based): chr15:44,573,654, T>C on the plus strand (A>G on the coding strand, the complement: SPG11 is on the minus strand). VCF-style: chr15-44573654-T-C. GRCh37 (hg19) VCF-style: chr15-44865852-T-C.
Other names: c.5954A>G, p.Lys1985Arg (NM_001411132.1); c.5867-834A>G (NM_001160227.2); short protein forms K1985R, K2033R.
Identifiers: ClinVar variation 2169856 (VCV002169856.1), dbSNP rs1269833760, ClinGen allele CA392218307.

ClinVar aggregate classification (germline): Uncertain significance (1 of 4 stars; one submission).

Conditions:
Hereditary spastic paraplegia 11. Also called: Nakamura Osame syndrome; Autosomal recessive hereditary spastic paraplegia, mental impairment, and thin corpus callosum; SPASTIC PARAPLEGIA, AUTOSOMAL RECESSIVE, COMPLICATED, WITH THIN CORPUS CALLOSUM; SPASTIC PARAPLEGIA, AUTOSOMAL RECESSIVE, WITH MENTAL IMPAIRMENT AND THIN CORPUS CALLOSUM; Spastic Paraplegia 11; Spastic paraplegia, mental retardation and thin corpus callosum. Identifiers: Orphanet 2822, MedGen C1858479, MONDO:0011445, OMIM 604360.

gnomAD v4.1: 14 of 1,614,078 alleles (0.00087%); highest among the groups gnomAD compares: African/African-American, 0.0027%; no homozygotes.

Submission:

Labcorp Genetics (formerly Invitae), Labcorp
Classification: Uncertain significance for Hereditary spastic paraplegia 11. Last evaluated: 2022-07-30. Review status: criteria provided, single submitter. Criteria: Invitae Variant Classification Sherloc (09022015). Collection method: clinical testing. Allele origin: germline.
Comment: This sequence change replaces lysine, which is basic and polar, with arginine, which is basic and polar, at codon 2033 of the SPG11 protein (p.Lys2033Arg). This variant is present in population databases (no rsID available, gnomAD 0.0009%). This variant has not been reported in the literature in individuals affected with SPG11-related conditions. Algorithms developed to predict the effect of missense changes on protein structure and function output the following: SIFT: "Tolerated"; PolyPhen-2: "Benign"; Align-GVGD: "Class C0". The arginine amino acid residue is found in multiple mammalian species, which suggests that this missense change does not adversely affect protein function. In summary, the available evidence is currently insufficient to determine the role of this variant in disease. Therefore, it has been classified as a Variant of Uncertain Significance.